The following is an entry in ClinVar:

ClinVar aggregate classification (germline): Likely pathogenic (1 of 4 stars; one submission).

Allele frequency attached by ClinVar (database versions not stated): gnomAD 0.00001.
gnomAD v4.1: 1 of 1,612,274 alleles (0.000062%); highest among the groups gnomAD compares: African/African-American, 0.0013%; no homozygotes.

Submission:

Labcorp Genetics (formerly Invitae), Labcorp
Classification: Likely pathogenic. Last evaluated: 2022-07-05. Review status: criteria provided, single submitter. Criteria: Invitae Variant Classification Sherloc (09022015). Collection method: clinical testing. Allele origin: germline.
Comment: This sequence change affects a donor splice site in intron 2 of the NDUFA12 gene. It is expected to disrupt RNA splicing. Variants that disrupt the donor or acceptor splice site typically lead to a loss of protein function (PMID: 16199547), and loss-of-function variants in NDUFA12 are known to be pathogenic (PMID: 21617257, 28454995). This variant is not present in population databases (gnomAD no frequency). This variant has not been reported in the literature in individuals affected with NDUFA12-related conditions. Algorithms developed to predict the effect of sequence changes on RNA splicing suggest that this variant may disrupt the consensus splice site. In summary, the currently available evidence indicates that the variant is pathogenic, but additional data are needed to prove that conclusively. Therefore, this variant has been classified as Likely Pathogenic.

Literature cited by the submitters: PubMed 16199547; PubMed 21617257; PubMed 28454995.

NM_018838.5(NDUFA12):c.169+1G>A

Gene: NDUFA12 (NADH:ubiquinone oxidoreductase subunit A12; minus strand). Cytogenetic location: 12q22.
Variant type: single nucleotide variant.
Coding change: c.169+1G>A on transcript NM_018838.5 (MANE Select); the canonical splice donor site of the intron after coding-DNA position 169, G replaced by A.
Molecular consequence: splice donor variant.
Genome position (GRCh38, 1-based): chr12:95,002,738, C>T on the plus strand (G>A on the coding strand, the complement: NDUFA12 is on the minus strand). VCF-style: chr12-95002738-C-T. GRCh37 (hg19) VCF-style: chr12-95396514-C-T.
Other names: c.169+1G>A (NM_001258338.2).
Identifiers: ClinVar variation 2143469 (VCV002143469.1), dbSNP rs1875101118, ClinGen allele CA386040244.